The following is an entry in ClinVar:

ClinVar aggregate classification (germline): Benign/Likely benign. Review status: criteria provided, multiple submitters, no conflicts (2 of 4 stars). 5 submissions from 5 submitters: Benign (1); Likely benign (4). Last evaluated 2025-12-08.

Conditions:
Hereditary cancer-predisposing syndrome. Also called: Hereditary Cancer Syndrome; Neoplastic Syndromes, Hereditary; Tumor predisposition; Hereditary neoplastic syndrome. Identifiers: Orphanet 140162, MedGen C0027672, MeSH D009386, MONDO:0015356.
Familial cancer of breast. Also called: Hereditary breast cancer; hereditary breast carcinoma; BREAST CANCER, FAMILIAL. Identifiers: Orphanet 227535, MedGen C0346153, MONDO:0016419, OMIM 114480. Disease mechanism: loss of function.
Ataxia-telangiectasia syndrome (AT). Also called: Ataxia telangiectasia (A-T); Ataxia-telangiectasia, complementation group E; LOUIS-BAR SYNDROME; Cerebello-oculocutaneous telangiectasia; Immunodeficiency with ataxia telangiectasia; Ataxia-telangiectasia, complementation group D. Identifiers: Orphanet 100, MedGen C0004135, MONDO:0008840, OMIM 208900.

gnomAD v4.1: 2 of 1,613,956 alleles (0.00012%); highest among the groups gnomAD compares: Non-Finnish European, 0.00017%; no homozygotes.

Submissions (5):

Labcorp Genetics (formerly Invitae), Labcorp
Classification: Likely benign for Ataxia-telangiectasia syndrome. Last evaluated: 2025-12-08. Review status: criteria provided, single submitter. Criteria: Invitae Variant Classification Sherloc (09022015). Collection method: clinical testing. Allele origin: germline.

Myriad Genetics, Inc.
Classification: Benign for Familial cancer of breast. Last evaluated: 2024-04-23. Review status: criteria provided, single submitter. Criteria: Myriad Autosomal Dominant, Autosomal Recessive and X-Linked Classification Criteria (2023). Collection method: clinical testing. Allele origin: unknown.
Comment: This variant is considered benign. This variant is a silent/synonymous amino acid change and it is not expected to impact splicing.

GeneDx
Classification: Likely benign. Last evaluated: 2018-01-31. Review status: criteria provided, single submitter. Criteria: GeneDx Variant Classification (06012015). Collection method: clinical testing. Allele origin: germline. Affected: yes.
Comment: This variant is considered likely benign or benign based on one or more of the following criteria: it is a conservative change, it occurs at a poorly conserved position in the protein, it is predicted to be benign by multiple in silico algorithms, and/or has population frequency not consistent with disease.

Color Diagnostics, LLC DBA Color Health
Classification: Likely benign for Hereditary cancer-predisposing syndrome. Last evaluated: 2016-08-05. Review status: criteria provided, single submitter. Criteria: ACMG Guidelines, 2015. Collection method: clinical testing. Allele origin: germline.

Ambry Genetics
Classification: Likely benign for Hereditary cancer-predisposing syndrome. Last evaluated: 2015-04-16. Review status: criteria provided, single submitter. Criteria: Ambry Variant Classification Scheme 2023. Collection method: clinical testing. Allele origin: germline.

NM_000051.4(ATM):c.741T>C (p.Phe247=)

Gene: ATM (ATM serine/threonine kinase; plus strand). Cytogenetic location: 11q22.3.
Variant type: single nucleotide variant.
Coding change: c.741T>C on transcript NM_000051.4 (MANE Select); coding-DNA position 741, T replaced by C.
Protein change: p.Phe247=; no amino-acid change (phenylalanine 247 retained).
Molecular consequence: synonymous variant.
Genome position (GRCh38, 1-based): chr11:108,244,866, T>C. VCF-style: chr11-108244866-T-C. GRCh37 (hg19) VCF-style: chr11-108115593-T-C.
Other names: c.741T>C, p.Phe247= (NM_001351834.2).
Identifiers: ClinVar variation 231311 (VCV000231311.19), dbSNP rs876659081, ClinGen allele CA10578974.